The following is an entry in ClinVar:

ClinVar aggregate classification (germline): Uncertain significance (1 of 4 stars; one submission).

Conditions:
Inborn genetic diseases. Identifiers: MedGen C0950123, MeSH D030342.

Submission:

Ambry Genetics
Classification: Uncertain significance for Inborn genetic diseases. Last evaluated: 2026-01-25. Review status: criteria provided, single submitter. Criteria: Ambry Variant Classification Scheme 2023. Collection method: clinical testing. Allele origin: germline.
Comment: The p.A325G variant (also known as c.974C>G), located in coding exon 10 of the ASXL1 gene, results from a C to G substitution at nucleotide position 974. The alanine at codon 325 is replaced by glycine, an amino acid with similar properties. This amino acid position is conserved. In addition, the in silico prediction for this alteration is inconclusive. Based on the available evidence, the clinical significance of this variant remains unclear.

NM_015338.6(ASXL1):c.974C>G (p.Ala325Gly)

Gene: ASXL1 (ASXL transcriptional regulator 1; plus strand). Cytogenetic location: 20q11.21.
Variant type: single nucleotide variant.
Coding change: c.974C>G on transcript NM_015338.6 (MANE Select); coding-DNA position 974, C replaced by G.
Protein change: p.Ala325Gly; replaces alanine 325 with glycine.
Molecular consequence: missense variant.
Genome position (GRCh38, 1-based): chr20:32,431,674, C>G. VCF-style: chr20-32431674-C-G. GRCh37 (hg19) VCF-style: chr20-31019477-C-G.
Other names: c.791C>G, p.Ala264Gly (NM_001363734.1); short protein forms A325G, A264G.
Identifiers: ClinVar variation 4825203 (VCV004825203.1).
Genomic context (GRCh38, chr20:32,431,674, plus strand): 5'-GCAGTGCACTAAATAACGAGTTTTTTACCCATGCGGCTCAGAGCTGGCGGGAGCGCCTGG[C>G]TGATGGTATGTAGACTTGGTCATCTCGGACGGCTTGCGACGCACCTGTCGTGTGGTGTTG-3'
Protein context (NP_056153.2, residues 315-335): HAAQSWRERL[Ala325Gly]DGEFTHEMQV